The following is an entry in ClinVar:

ClinVar aggregate classification (germline): Pathogenic/Likely pathogenic. Review status: criteria provided, multiple submitters, no conflicts (2 of 4 stars). 2 submissions from 2 submitters: Pathogenic (1); Likely pathogenic (1). Last evaluated 2023-06-19.

Conditions:
SETD5-related disorder. Also called: SETD5-related disorders; SETD5-related condition.

Submissions (2):

Blueprint Genetics
Classification: Likely pathogenic for SETD5-related disorders. Last evaluated: 2023-06-19. Review status: criteria provided, single submitter. Criteria: ACMG Guidelines, 2015. Collection method: clinical testing. Allele origin: germline. Affected: yes. Observed: 1 variant allele.

GeneDx
Classification: Pathogenic. Last evaluated: 2023-01-03. Review status: criteria provided, single submitter. Criteria: GeneDx Variant Classification Process June 2021. Collection method: clinical testing. Allele origin: germline. Affected: yes.
Comment: Nonsense variant predicted to result in protein truncation or nonsense mediated decay in a gene for which loss of function is a known mechanism of disease; Not observed at significant frequency in large population cohorts (gnomAD); This variant is associated with the following publications: (PMID: 31981491)

NM_001080517.3(SETD5):c.814C>T (p.Gln272Ter)

Gene: SETD5 (SET domain containing 5; plus strand). Cytogenetic location: 3p25.3.
Variant type: single nucleotide variant.
Coding change: c.814C>T on transcript NM_001080517.3 (MANE Select); coding-DNA position 814, C replaced by T.
Protein change: p.Gln272Ter; replaces glutamine 272 with a stop codon.
Molecular consequence: nonsense.
Genome position (GRCh38, 1-based): chr3:9,441,596, C>T. VCF-style: chr3-9441596-C-T. GRCh37 (hg19) VCF-style: chr3-9483280-C-T.
Other names: c.520C>T, p.Gln174Ter (NM_001292043.2, NM_001349451.2); short protein forms Q174*, Q272*.
Identifiers: ClinVar variation 2507195 (VCV002507195.2), dbSNP rs2472701669, ClinGen allele CA351688240.